The following is an entry in ClinVar:

ClinVar aggregate classification (germline): Likely benign (0 of 4 stars; one submission).

Conditions:
ASTN2-related disorder. Also called: ASTN2-related condition.

gnomAD v4.1: 36 of 1,612,078 alleles (0.0022%); highest among the groups gnomAD compares: South Asian, 0.0044%; no homozygotes.

Submission:

PreventionGenetics, part of Exact Sciences
Classification: Likely benign for ASTN2-related condition. Last evaluated: 2023-09-15. Review status: no assertion criteria provided. Collection method: clinical testing. Allele origin: germline.
Comment: This variant is classified as likely benign based on ACMG/AMP sequence variant interpretation guidelines (Richards et al. 2015 PMID: 25741868, with internal and published modifications).

NM_001365068.1(ASTN2):c.1869G>A (p.Thr623=)

Gene: ASTN2 (astrotactin 2; minus strand). Cytogenetic location: 9q33.1.
Variant type: single nucleotide variant.
Coding change: c.1869G>A on transcript NM_001365068.1 (MANE Select); coding-DNA position 1869, G replaced by A.
Protein change: p.Thr623=; no amino-acid change (threonine 623 retained).
Molecular consequence: synonymous variant.
Genome position (GRCh38, 1-based): chr9:116,975,228, C>T on the plus strand (G>A on the coding strand, the complement: ASTN2 is on the minus strand). VCF-style: chr9-116975228-C-T. GRCh37 (hg19) VCF-style: chr9-119737507-C-T.
Other names: c.1857G>A, p.Thr619= (NM_001365069.1); c.1716G>A, p.Thr572= (NM_014010.5).
Identifiers: ClinVar variation 3031644 (VCV003031644.2), dbSNP rs751633983, ClinGen allele CA5211541.